The following is an entry in ClinVar:

ClinVar aggregate classification (germline): Uncertain significance (1 of 4 stars; one submission).

Conditions:
Hypertrophic cardiomyopathy 2. Also called: TNNT2-Related Familial Hypertrophic Cardiomyopathy. Identifiers: MedGen C1861864, MONDO:0007266, OMIM 115195.
Dilated cardiomyopathy 1D. Identifiers: Orphanet 154, Orphanet 54260, MedGen C1832243, MONDO:0011095, OMIM 601494.
Cardiomyopathy, familial restrictive, 3. Identifiers: Orphanet 75249, MedGen C2676271, MONDO:0012900, OMIM 612422.

Submission:

Labcorp Genetics (formerly Invitae), Labcorp
Classification: Uncertain significance for Cardiomyopathy, familial restrictive, 3; Hypertrophic cardiomyopathy 2; Dilated cardiomyopathy 1D. Last evaluated: 2018-08-20. Review status: criteria provided, single submitter. Criteria: Invitae Variant Classification Sherloc (09022015). Collection method: clinical testing. Allele origin: germline.
Comment: This variant has not been reported in the literature in individuals with TNNT2-related disease. This variant is not present in population databases (ExAC no frequency). This sequence change replaces glycine with arginine at codon 279 of the TNNT2 protein (p.Gly279Arg). The glycine residue is weakly conserved and there is a moderate physicochemical difference between glycine and arginine. Algorithms developed to predict the effect of missense changes on protein structure and function are either unavailable or do not agree on the potential impact of this missense change (SIFT: "Tolerated"; PolyPhen-2: "Probably Damaging"; Align-GVGD: "Class C0"). In summary, the available evidence is currently insufficient to determine the role of this variant in disease. Therefore, it has been classified as a Variant of Uncertain Significance.

NM_001276345.2(TNNT2):c.865G>C (p.Gly289Arg)

Gene: TNNT2 (troponin T2, cardiac type; minus strand). Cytogenetic location: 1q32.1.
Variant type: single nucleotide variant.
Coding change: c.865G>C on transcript NM_001276345.2 (MANE Select); coding-DNA position 865, G replaced by C.
Protein change: p.Gly289Arg; replaces glycine 289 with arginine.
Molecular consequence: missense variant.
Genome position (GRCh38, 1-based): chr1:201,359,242, C>G on the plus strand (G>C on the coding strand, the complement: TNNT2 is on the minus strand). VCF-style: chr1-201359242-C-G. GRCh37 (hg19) VCF-style: chr1-201328370-C-G.
Other names: c.856G>C, p.Gly286Arg (NM_000364.4); c.835G>C, p.Gly279Arg (NM_001001430.3, NM_001276347.2); c.826G>C, p.Gly276Arg (NM_001001431.3); c.817G>C, p.Gly273Arg (NM_001001432.3); c.736G>C, p.Gly246Arg (NM_001276346.2); short protein forms G246R, G273R, G276R, G279R, G286R, G289R.
Identifiers: ClinVar variation 644641 (VCV000644641.8), dbSNP rs757664792, ClinGen allele CA344201899.